The following is an entry in ClinVar:

ClinVar aggregate classification (germline): Uncertain significance (1 of 4 stars; one submission).

Allele frequency attached by ClinVar (database versions not stated): gnomAD exomes below 0.00001.
gnomAD v4.1: 3 of 1,614,052 alleles (0.00019%); highest among the groups gnomAD compares: Non-Finnish European, 0.00025%; no homozygotes.

Submission:

GeneDx
Classification: Uncertain significance. Last evaluated: 2024-07-18. Review status: criteria provided, single submitter. Criteria: GeneDx Variant Classification Process June 2021. Collection method: clinical testing. Allele origin: germline.
Comment: Has not been previously published as pathogenic or benign to our knowledge; Not observed at significant frequency in large population cohorts (gnomAD); In silico analysis indicates that this missense variant does not alter protein structure/function; Does not affect a cysteine or calcium-binding residue within an EGF-like domain or a TGF-binding protein domain of the FBN1 gene; cysteine substitutions in the EGF-like domains represent the majority of pathogenic missense changes associated with FBN1-related disorders (PMID: 12938084); This variant is associated with the following publications: (PMID: 12938084)

NM_000138.5(FBN1):c.2530A>G (p.Ile844Val)

Gene: FBN1 (fibrillin 1; minus strand). Cytogenetic location: 15q21.1.
Variant type: single nucleotide variant.
Coding change: c.2530A>G on transcript NM_000138.5 (MANE Select); coding-DNA position 2530, A replaced by G.
Protein change: p.Ile844Val; replaces isoleucine 844 with valine.
Molecular consequence: missense variant.
Genome position (GRCh38, 1-based): chr15:48,495,478, T>C on the plus strand (A>G on the coding strand, the complement: FBN1 is on the minus strand). VCF-style: chr15-48495478-T-C. GRCh37 (hg19) VCF-style: chr15-48787675-T-C.
Other names: c.2530A>G, p.Ile844Val (NM_001406716.1); short protein forms I844V.
Identifiers: ClinVar variation 1801155 (VCV001801155.2), dbSNP rs2505571778, ClinGen allele CA392334250.